The following is an entry in ClinVar:

ClinVar aggregate classification (germline): Uncertain significance. Review status: criteria provided, multiple submitters, no conflicts (2 of 4 stars). 2 submissions from 2 submitters: Uncertain significance (2). Last evaluated 2024-03-29.

Conditions:
Ciliary dyskinesia, primary, 37 (CILD37). Also called: CILIARY DYSKINESIA, PRIMARY, 37, WITH OR WITHOUT SITUS INVERSUS. Identifiers: MedGen C4539798, MONDO:0033204, OMIM 617577.
Spermatogenic failure 18. Identifiers: MedGen C4539783, MONDO:0054615, OMIM 617576.

Allele frequency attached by ClinVar (database versions not stated): ExAC 0.00004; gnomAD exomes 0.00005; TOPMed 0.00005; gnomAD 0.00006 and 0.00007.
gnomAD v4.1: 480 of 1,605,024 alleles (0.03%); highest among the groups gnomAD compares: Non-Finnish European, 0.04%; no homozygotes.

Submissions (2):

Ambry Genetics
Classification: Uncertain significance. Last evaluated: 2024-03-29. Review status: criteria provided, single submitter. Criteria: Ambry Variant Classification Scheme 2023. Collection method: clinical testing. Allele origin: germline.

Labcorp Genetics (formerly Invitae), Labcorp
Classification: Uncertain significance for Ciliary dyskinesia, primary, 37; Spermatogenic failure 18. Last evaluated: 2022-03-11. Review status: criteria provided, single submitter. Criteria: Invitae Variant Classification Sherloc (09022015). Collection method: clinical testing. Allele origin: germline.
Comment: This sequence change replaces glutamic acid, which is acidic and polar, with lysine, which is basic and polar, at codon 193 of the DNAH1 protein (p.Glu193Lys). This variant is present in population databases (rs757070489, gnomAD 0.01%). This variant has not been reported in the literature in individuals affected with DNAH1-related conditions. ClinVar contains an entry for this variant (Variation ID: 575976). Algorithms developed to predict the effect of missense changes on protein structure and function are either unavailable or do not agree on the potential impact of this missense change (SIFT: "Deleterious"; PolyPhen-2: "Probably Damaging"; Align-GVGD: "Class C0"). In summary, the available evidence is currently insufficient to determine the role of this variant in disease. Therefore, it has been classified as a Variant of Uncertain Significance.

NM_015512.5(DNAH1):c.577G>A (p.Glu193Lys)

Gene: DNAH1 (dynein axonemal heavy chain 1; plus strand). Cytogenetic location: 3p21.1.
Variant type: single nucleotide variant.
Coding change: c.577G>A on transcript NM_015512.5 (MANE Select); coding-DNA position 577, G replaced by A.
Protein change: p.Glu193Lys; replaces glutamic acid 193 with lysine.
Molecular consequence: missense variant.
Genome position (GRCh38, 1-based): chr3:52,326,310, G>A. VCF-style: chr3-52326310-G-A. GRCh37 (hg19) VCF-style: chr3-52360326-G-A.
Other names: short protein forms E193K.
Identifiers: ClinVar variation 575976 (VCV000575976.4), dbSNP rs757070489, ClinGen allele CA2432679.
Genomic context (GRCh38, chr3:52,326,310, plus strand): 5'-CCCAAGATGCAGGTGCCTTTCCAGGTGCTGCCAGGCCAGCATCCTCGCAAGATTGAGATC[G>A]AGAGGTACGGCTGGGTGGGCTGTGGGGAGACTGTCGGGGAGGTGGCATCCACCCGCCTCA-3'
Protein context (NP_056327.4, residues 183-203): PGQHPRKIEI[Glu193Lys]RRKQQYLSLD